The following is an entry in ClinVar:

NM_001105206.3(LAMA4):c.2595G>T (p.Met865Ile)

Gene: LAMA4 (laminin subunit alpha 4; minus strand). Cytogenetic location: 6q21.
Variant type: single nucleotide variant.
Coding change: c.2595G>T on transcript NM_001105206.3 (MANE Select); coding-DNA position 2595, G replaced by T.
Protein change: p.Met865Ile; replaces methionine 865 with isoleucine.
Molecular consequence: missense variant.
Genome position (GRCh38, 1-based): chr6:112,142,191, C>A on the plus strand (G>T on the coding strand, the complement: LAMA4 is on the minus strand). VCF-style: chr6-112142191-C-A. GRCh37 (hg19) VCF-style: chr6-112463393-C-A.
Other names: c.2574G>T, p.Met858Ile (NM_001105207.3, NM_002290.5); short protein forms M858I, M865I.
Identifiers: ClinVar variation 2834246 (VCV002834246.3), dbSNP rs200303850, ClinGen allele CA3965437.

ClinVar aggregate classification (germline): Uncertain significance (1 of 4 stars; one submission).

Conditions:
Dilated cardiomyopathy 1JJ (CMD1JJ). Identifiers: Orphanet 154, MedGen C3808935, MONDO:0014095, OMIM 615235.

Allele frequency attached by ClinVar (database versions not stated): gnomAD exomes below 0.00001; gnomAD 0.00001; ExAC 0.00002; 1000 Genomes Project 30x 0.00016; 1000 Genomes Project 0.00020.
gnomAD v4.1: 6 of 1,614,124 alleles (0.00037%); highest among the groups gnomAD compares: East Asian, 0.0089%; no homozygotes.

Submission:

Labcorp Genetics (formerly Invitae), Labcorp
Classification: Uncertain significance for Dilated cardiomyopathy 1JJ. Last evaluated: 2024-01-07. Review status: criteria provided, single submitter. Criteria: Invitae Variant Classification Sherloc (09022015). Collection method: clinical testing. Allele origin: germline.
Comment: This sequence change replaces methionine, which is neutral and non-polar, with isoleucine, which is neutral and non-polar, at codon 858 of the LAMA4 protein (p.Met858Ile). This variant is present in population databases (rs200303850, gnomAD 0.03%). This variant has not been reported in the literature in individuals affected with LAMA4-related conditions. Algorithms developed to predict the effect of missense changes on protein structure and function output the following: SIFT: "Not Available"; PolyPhen-2: "Benign"; Align-GVGD: "Not Available". The isoleucine amino acid residue is found in multiple mammalian species, which suggests that this missense change does not adversely affect protein function. In summary, the available evidence is currently insufficient to determine the role of this variant in disease. Therefore, it has been classified as a Variant of Uncertain Significance.